The following is an entry in ClinVar:

ClinVar aggregate classification (germline): Likely benign (1 of 4 stars; one submission).

Allele frequency attached by ClinVar (database versions not stated): gnomAD 0.00003 and 0.00004; TOPMed 0.00006; gnomAD exomes below 0.00001.
gnomAD v4.1: 11 of 1,611,056 alleles (0.00068%); highest among the groups gnomAD compares: African/African-American, 0.011%; no homozygotes.

Submission:

GeneDx
Classification: Likely benign. Last evaluated: 2016-01-06. Review status: criteria provided, single submitter. Criteria: GeneDx Variant Classification (06012015). Collection method: clinical testing. Allele origin: germline. Affected: yes.
Comment: This variant is considered likely benign or benign based on one or more of the following criteria: it is a conservative change, it occurs at a poorly conserved position in the protein, it is predicted to be benign by multiple in silico algorithms, and/or has population frequency not consistent with disease.

NM_000535.5(PMS2):c.-37C>T

Gene: PMS2 (PMS1 homolog 2, mismatch repair system component; minus strand). Cytogenetic location: 7p22.1.
Variant type: single nucleotide variant.
Coding change: c.-37C>T on transcript NM_000535.5; 37 bases upstream of the start codon, C replaced by T.
Molecular consequence: non-coding transcript variant (on NR_136154.1).
Genome position (GRCh38, 1-based): chr7:6,009,056, G>A on the plus strand (C>T on the coding strand, the complement: PMS2 is on the minus strand). VCF-style: chr7-6009056-G-A. GRCh37 (hg19) VCF-style: chr7-6048687-G-A.
Identifiers: ClinVar variation 382843 (VCV000382843.3), dbSNP rs1027005255, ClinGen allele CA16605262.